The following is an entry in ClinVar:

ClinVar aggregate classification (germline): Likely benign (1 of 4 stars; one submission).

Conditions:
MINAR2-related condition.

gnomAD v4.1: 179 of 1,535,226 alleles (0.012%); highest among the groups gnomAD compares: African/African-American, 0.22%; no homozygotes.

Submission:

PreventionGenetics, part of Exact Sciences
Classification: Likely benign for MINAR2-related condition. Last evaluated: 2025-04-29. Review status: criteria provided, single submitter. Criteria: ACMG Guidelines, 2015. Collection method: clinical testing. Allele origin: germline.
Comment: This variant is classified as likely benign based on ACMG/AMP sequence variant interpretation guidelines (Richards et al. 2015 PMID: 25741868, with internal and published modifications).

NM_001257308.2(MINAR2):c.52C>T (p.Leu18Phe)

Gene: MINAR2 (membrane integral NOTCH2 associated receptor 2; plus strand). Cytogenetic location: 5q23.3.
Variant type: single nucleotide variant.
Coding change: c.52C>T on transcript NM_001257308.2 (MANE Select); coding-DNA position 52, C replaced by T.
Protein change: p.Leu18Phe; replaces leucine 18 with phenylalanine.
Molecular consequence: missense variant.
Genome position (GRCh38, 1-based): chr5:129,748,242, C>T. VCF-style: chr5-129748242-C-T. GRCh37 (hg19) VCF-style: chr5-129083935-C-T.
Other names: short protein forms L18F.
Identifiers: ClinVar variation 4977123 (VCV004977123.1).
Genomic context (GRCh38, chr5:129,748,242, plus strand): 5'-AAGGGAGACATGGATCTCTCTGTTTTGCCAAATAACAACCATCCTGACAAATTCCTGCAG[C>T]TTGACGTAAAGTCTTTAACGAGGAGCTCAGCCCTCCTTCAGGCCAGCCTGGTGAGGTTTC-3'
Protein context (NP_001244237.1, residues 8-28): NNNHPDKFLQ[Leu18Phe]DVKSLTRSSA